The following is an entry in ClinVar:

NM_006901.4(MYO9A):c.5834T>C (p.Leu1945Pro)

Gene: MYO9A (myosin IXA; minus strand). Cytogenetic location: 15q23.
Variant type: single nucleotide variant.
Coding change: c.5834T>C on transcript NM_006901.4 (MANE Select); coding-DNA position 5834, T replaced by C.
Protein change: p.Leu1945Pro; replaces leucine 1945 with proline.
Molecular consequence: missense variant.
Genome position (GRCh38, 1-based): chr15:71,878,137, A>G on the plus strand (T>C on the coding strand, the complement: MYO9A is on the minus strand). VCF-style: chr15-71878137-A-G. GRCh37 (hg19) VCF-style: chr15-72170478-A-G.
Other names: short protein forms L1945P.
Identifiers: ClinVar variation 796851 (VCV000796851.6), dbSNP rs142546832, ClinGen allele CA7641048.

ClinVar aggregate classification (germline): Likely benign. Review status: criteria provided, single submitter (1 of 4 stars). 2 submissions from 2 submitters: Likely benign (1). 1 of the submissions does not count toward it. Last evaluated 2019-12-31.

Conditions:
MYO9A-related disorder. Also called: MYO9A-related condition.

Allele frequency attached by ClinVar (database versions not stated): gnomAD 0.00007 and 0.00009; gnomAD exomes 0.00007 and 0.00020; ExAC 0.00021; TOPMed 0.00024; 1000 Genomes Project 30x 0.00031; 1000 Genomes Project 0.00040.
gnomAD v4.1: 116 of 1,612,308 alleles (0.0072%); highest among the groups gnomAD compares: East Asian, 0.25%; 1 homozygote.

Submissions (2):

Labcorp Genetics (formerly Invitae), Labcorp
Classification: Likely benign. Last evaluated: 2019-12-31. Review status: criteria provided, single submitter. Criteria: Invitae Variant Classification Sherloc (09022015). Collection method: clinical testing. Allele origin: germline.

PreventionGenetics, part of Exact Sciences
Classification: Likely benign for MYO9A-related condition. Last evaluated: 2023-07-09. Review status: no assertion criteria provided. Collection method: clinical testing. Allele origin: germline. Not counted in ClinVar's aggregate classification.
Comment: This variant is classified as likely benign based on ACMG/AMP sequence variant interpretation guidelines (Richards et al. 2015 PMID: 25741868, with internal and published modifications).